The following is an entry in ClinVar:

NM_001378418.1(TCF20):c.5407T>G (p.Ser1803Ala)

Gene: TCF20 (transcription factor 20; minus strand). Cytogenetic location: 22q13.2.
Variant type: single nucleotide variant.
Coding change: c.5407T>G on transcript NM_001378418.1 (MANE Select); coding-DNA position 5407, T replaced by G.
Protein change: p.Ser1803Ala; replaces serine 1803 with alanine.
Molecular consequence: missense variant.
Genome position (GRCh38, 1-based): chr22:42,209,899, A>C on the plus strand (T>G on the coding strand, the complement: TCF20 is on the minus strand). VCF-style: chr22-42209899-A-C. GRCh37 (hg19) VCF-style: chr22-42605905-A-C.
Other names: c.5407T>G (NM_005650.1); c.5407T>G, p.Ser1803Ala (NM_005650.4, NM_181492.3); short protein forms S1803A.
Identifiers: ClinVar variation 1879561 (VCV001879561.35), dbSNP rs375600166, ClinGen allele CA10266482.

ClinVar aggregate classification (germline): Benign/Likely benign. Review status: criteria provided, multiple submitters, no conflicts (2 of 4 stars). 3 submissions from 3 submitters: Benign (1); Likely benign (2). Last evaluated 2025-10-01.

Conditions:
Inborn genetic diseases. Identifiers: MedGen C0950123, MeSH D030342.

Allele frequency attached by ClinVar (database versions not stated): ExAC 0.00004; ESP Exome Variant Server 0.00008; gnomAD 0.00011; TOPMed 0.00013; gnomAD exomes 0.00020.

Submissions (3):

Labcorp Genetics (formerly Invitae), Labcorp
Classification: Benign. Last evaluated: 2025-10-01. Review status: criteria provided, single submitter. Criteria: Invitae Variant Classification Sherloc (09022015). Collection method: clinical testing. Allele origin: germline.

CeGaT Center for Human Genetics Tuebingen
Classification: Likely benign. Last evaluated: 2025-05-01. Review status: criteria provided, single submitter. Criteria: CeGaT Center For Human Genetics Tuebingen Variant Classification Criteria Version 2. Collection method: clinical testing. Allele origin: germline. Affected: yes. Observed: 2 variant alleles.
Comment: TCF20: BS2

Ambry Genetics
Classification: Likely benign for Inborn genetic diseases. Last evaluated: 2023-10-20. Review status: criteria provided, single submitter. Criteria: Ambry Variant Classification Scheme 2023. Collection method: clinical testing. Allele origin: germline.